The following is an entry in ClinVar:

ClinVar aggregate classification (germline): Uncertain significance. Review status: criteria provided, multiple submitters, no conflicts (2 of 4 stars). 2 submissions from 2 submitters: Uncertain significance (2). Last evaluated 2025-06-12.

Conditions:
Inborn genetic diseases. Identifiers: MedGen C0950123, MeSH D030342.

Allele frequency attached by ClinVar (database versions not stated): gnomAD exomes 0.00001; ExAC 0.00002; ESP Exome Variant Server 0.00008; TOPMed 0.00011; gnomAD 0.00012; 1000 Genomes Project 30x 0.00016; 1000 Genomes Project 0.00020.
gnomAD v4.1: 40 of 1,613,334 alleles (0.0025%); highest among the groups gnomAD compares: African/African-American, 0.033%; no homozygotes.

Submissions (2):

Labcorp Genetics (formerly Invitae), Labcorp
Classification: Uncertain significance. Last evaluated: 2025-06-12. Review status: criteria provided, single submitter. Criteria: Invitae Variant Classification Sherloc (09022015). Collection method: clinical testing. Allele origin: germline.
Comment: This sequence change replaces arginine, which is basic and polar, with tryptophan, which is neutral and slightly polar, at codon 4295 of the HSPG2 protein (p.Arg4295Trp). This variant is present in population databases (rs375003419, gnomAD 0.03%). This variant has not been reported in the literature in individuals affected with HSPG2-related conditions. ClinVar contains an entry for this variant (Variation ID: 2218464). An algorithm developed to predict the effect of missense changes on protein structure and function (PolyPhen-2) suggests that this variant is likely to be disruptive. In summary, the available evidence is currently insufficient to determine the role of this variant in disease. Therefore, it has been classified as a Variant of Uncertain Significance.

Ambry Genetics
Classification: Uncertain significance for Inborn genetic diseases. Last evaluated: 2021-06-15. Review status: criteria provided, single submitter. Criteria: Ambry Variant Classification Scheme 2023. Collection method: clinical testing. Allele origin: germline.

NM_005529.7(HSPG2):c.12883C>T (p.Arg4295Trp)

Genes: HSPG2 (heparan sulfate proteoglycan 2; minus strand), LDLRAD2 (low density lipoprotein receptor class A domain containing 2; plus strand). Cytogenetic location: 1p36.12.
Variant type: single nucleotide variant.
Coding change: c.12883C>T on transcript NM_005529.7 (MANE Select); coding-DNA position 12883, C replaced by T.
Protein change: p.Arg4295Trp; replaces arginine 4295 with tryptophan.
Molecular consequence: missense variant. On other transcripts: 3 prime UTR variant (1).
Genome position (GRCh38, 1-based): chr1:21,824,137, G>A on the plus strand (C>T on the coding strand, the complement: HSPG2 is on the minus strand). VCF-style: chr1-21824137-G-A. GRCh37 (hg19) VCF-style: chr1-22150630-G-A.
Other names: c.12886C>T, p.Arg4296Trp (NM_001291860.2); c.*1922G>A (NM_001013693.3); short protein forms R4295W, R4296W.
Identifiers: ClinVar variation 2218464 (VCV002218464.7), dbSNP rs375003419, ClinGen allele CA669252.